The following is an entry in ClinVar:

NM_080916.3(DGUOK):c.205A>G (p.Thr69Ala)

Gene: DGUOK (deoxyguanosine kinase; plus strand). Cytogenetic location: 2p13.1.
Variant type: single nucleotide variant.
Coding change: c.205A>G on transcript NM_080916.3 (MANE Select); coding-DNA position 205, A replaced by G.
Protein change: p.Thr69Ala; replaces threonine 69 with alanine.
Molecular consequence: missense variant. On other transcripts: intron variant (4).
Genome position (GRCh38, 1-based): chr2:73,938,972, A>G. VCF-style: chr2-73938972-A-G. GRCh37 (hg19) VCF-style: chr2-74166099-A-G.
Other names: c.205A>G, p.Thr69Ala (NM_001318859.2, NM_080918.3); c.-37+6289A>G (NM_001318861.2, NM_001318862.2); c.-36-7747A>G (NM_001318860.2, NM_001318863.2); short protein forms T69A.
Identifiers: ClinVar variation 4690656 (VCV004690656.1).

ClinVar aggregate classification (germline): Uncertain significance (1 of 4 stars; one submission).

gnomAD v4.1: 2 of 1,614,120 alleles (0.00012%); highest among the groups gnomAD compares: African/African-American, 0.0013%; no homozygotes.

Submission:

Labcorp Genetics (formerly Invitae), Labcorp
Classification: Uncertain significance. Last evaluated: 2026-01-24. Review status: criteria provided, single submitter. Criteria: Invitae Variant Classification Sherloc (09022015). Collection method: clinical testing. Allele origin: germline.
Comment: This sequence change replaces threonine, which is neutral and polar, with alanine, which is neutral and non-polar, at codon 69 of the DGUOK protein (p.Thr69Ala). This variant is not present in population databases (gnomAD no frequency). This variant has not been reported in the literature in individuals affected with DGUOK-related conditions. Invitae Evidence Modeling of protein sequence and biophysical properties (such as structural, functional, and spatial information, amino acid conservation, physicochemical variation, residue mobility, and thermodynamic stability) indicates that this missense variant is not expected to disrupt DGUOK protein function with a negative predictive value of 95%. In summary, the available evidence is currently insufficient to determine the role of this variant in disease. Therefore, it has been classified as a Variant of Uncertain Significance.